The following is an entry in ClinVar:

NM_000135.4(FANCA):c.1208C>T (p.Ala403Val)

Gene: FANCA (FA complementation group A; minus strand). Cytogenetic location: 16q24.3.
Variant type: single nucleotide variant.
Coding change: c.1208C>T on transcript NM_000135.4 (MANE Select); coding-DNA position 1208, C replaced by T.
Protein change: p.Ala403Val; replaces alanine 403 with valine.
Molecular consequence: missense variant.
Genome position (GRCh38, 1-based): chr16:89,791,944, G>A on the plus strand (C>T on the coding strand, the complement: FANCA is on the minus strand). VCF-style: chr16-89791944-G-A. GRCh37 (hg19) VCF-style: chr16-89858352-G-A.
Other names: c.1208C>T, p.Ala403Val (NM_001286167.3); short protein forms A403V.
Identifiers: ClinVar variation 2177599 (VCV002177599.3), dbSNP rs762736991, ClinGen allele CA8252482.
Genomic context (GRCh38, chr16:89,791,944, plus strand): 5'-ACACACTCTTGACCAGCACCACCGGGCTCGCGTAAAAGCTCACCTTCAAGCAGCTGCTGC[G>A]CTTCTGGAAAGCAGACAACCAGGGCAGACACAAAGGAGAGCACTCTCTGCCAGTGAACCT-3'
Protein context (NP_000126.2, residues 393-413): VSALVVCFPE[Ala403Val]QQLLEDWVAR

ClinVar aggregate classification (germline): Uncertain significance. Review status: criteria provided, multiple submitters, no conflicts (2 of 4 stars). 2 submissions from 2 submitters: Uncertain significance (2). Last evaluated 2025-03-04.

Conditions:
Fanconi anemia (FA). Also called: Fanconi's anemia. Identifiers: Orphanet 84, MedGen C0015625, MeSH D005199, MONDO:0019391.

Allele frequency attached by ClinVar (database versions not stated): ExAC 0.00001; gnomAD 0.00001; TOPMed 0.00001; gnomAD exomes 0.00002.
gnomAD v4.1: 10 of 1,613,942 alleles (0.00062%); highest among the groups gnomAD compares: Middle Eastern, 0.033%; no homozygotes.

Submissions (2):

Labcorp Genetics (formerly Invitae), Labcorp
Classification: Uncertain significance for Fanconi anemia. Last evaluated: 2025-03-04. Review status: criteria provided, single submitter. Criteria: Invitae Variant Classification Sherloc (09022015). Collection method: clinical testing. Allele origin: germline.
Comment: This sequence change replaces alanine, which is neutral and non-polar, with valine, which is neutral and non-polar, at codon 403 of the FANCA protein (p.Ala403Val). This variant is present in population databases (rs762736991, gnomAD 0.003%). This variant has not been reported in the literature in individuals affected with FANCA-related conditions. ClinVar contains an entry for this variant (Variation ID: 2177599). Invitae Evidence Modeling of protein sequence and biophysical properties (such as structural, functional, and spatial information, amino acid conservation, physicochemical variation, residue mobility, and thermodynamic stability) has been performed for this missense variant. However, the output from this modeling did not meet the statistical confidence thresholds required to predict the impact of this variant on FANCA protein function. In summary, the available evidence is currently insufficient to determine the role of this variant in disease. Therefore, it has been classified as a Variant of Uncertain Significance.

Blueprint Genetics
Classification: Uncertain significance. Last evaluated: 2022-07-06. Review status: criteria provided, single submitter. Criteria: ACMG Guidelines, 2015. Collection method: clinical testing. Allele origin: germline.